The following is an entry in ClinVar:

ClinVar aggregate classification (germline): Conflicting classifications of pathogenicity. Review status: criteria provided, conflicting classifications (1 of 4 stars). 3 submissions from 3 submitters: Uncertain significance (2); Likely benign (1). Last evaluated 2025-12-24.

Allele frequency attached by ClinVar (database versions not stated): TOPMed 0.00010; ESP Exome Variant Server 0.00023; gnomAD 0.00060 and 0.00065.
gnomAD v4.1: 516 of 1,614,114 alleles (0.032%); highest among the groups gnomAD compares: Middle Eastern, 0.016%; no homozygotes.

Submissions (3):

Labcorp Genetics (formerly Invitae), Labcorp
Classification: Likely benign. Last evaluated: 2025-12-24. Review status: criteria provided, single submitter. Criteria: Invitae Variant Classification Sherloc (09022015). Collection method: clinical testing. Allele origin: germline.

CeGaT Center for Human Genetics Tuebingen
Classification: Uncertain significance. Last evaluated: 2025-05-01. Review status: criteria provided, single submitter. Criteria: CeGaT Center For Human Genetics Tuebingen Variant Classification Criteria Version 2. Collection method: clinical testing. Allele origin: germline. Affected: yes. Observed: 1 variant allele.
Comment: EXTL3: PM2, PP3

GeneDx
Classification: Uncertain significance. Last evaluated: 2025-03-07. Review status: criteria provided, single submitter. Criteria: GeneDx Variant Classification Process June 2021. Collection method: clinical testing. Allele origin: germline. Affected: yes.
Comment: In silico analysis indicates that this missense variant does not alter protein structure/function; This variant is associated with the following publications: (PMID: 35982159, 33057194)

NM_001440.4(EXTL3):c.1132C>T (p.Arg378Trp)

Gene: EXTL3 (exostosin like glycosyltransferase 3; plus strand). Cytogenetic location: 8p21.1.
Variant type: single nucleotide variant.
Coding change: c.1132C>T on transcript NM_001440.4 (MANE Select); coding-DNA position 1132, C replaced by T.
Protein change: p.Arg378Trp; replaces arginine 378 with tryptophan.
Molecular consequence: missense variant.
Genome position (GRCh38, 1-based): chr8:28,717,191, C>T. VCF-style: chr8-28717191-C-T. GRCh37 (hg19) VCF-style: chr8-28574708-C-T.
Other names: short protein forms R378W.
Identifiers: ClinVar variation 735239 (VCV000735239.17), dbSNP rs138851422, ClinGen allele CA4696154.